The following is an entry in ClinVar:

NM_005219.5(DIAPH1):c.3017A>G (p.Lys1006Arg)

Gene: DIAPH1 (diaphanous related formin 1; minus strand). Cytogenetic location: 5q31.3.
Variant type: single nucleotide variant.
Coding change: c.3017A>G on transcript NM_005219.5 (MANE Select); coding-DNA position 3017, A replaced by G.
Protein change: p.Lys1006Arg; replaces lysine 1006 with arginine.
Molecular consequence: missense variant.
Genome position (GRCh38, 1-based): chr5:141,528,703, T>C on the plus strand (A>G on the coding strand, the complement: DIAPH1 is on the minus strand). VCF-style: chr5-141528703-T-C. GRCh37 (hg19) VCF-style: chr5-140908270-T-C.
Other names: c.2990A>G, p.Lys997Arg (NM_001079812.3); c.3017A>G, p.Lys1006Arg (NM_001314007.2); short protein forms K1006R, K997R.
Identifiers: ClinVar variation 1972277 (VCV001972277.5), dbSNP rs2513624914, ClinGen allele CA361583698.

ClinVar aggregate classification (germline): Uncertain significance (1 of 4 stars; one submission).

Conditions:
Autosomal dominant nonsyndromic hearing loss 1. Also called: DEAFNESS, AUTOSOMAL DOMINANT 1, WITH OR WITHOUT THROMBOCYTOPENIA; KONIGSMARK SYNDROME. Identifiers: Orphanet 90635, MedGen C1852282, MONDO:0007424, OMIM 124900.
Progressive microcephaly-seizures-cortical blindness-developmental delay syndrome. Also called: Seizures, cortical blindness, and microcephaly syndrome. Identifiers: Orphanet 477814, MedGen C5567650, MONDO:0014714, OMIM 616632.

Submission:

Labcorp Genetics (formerly Invitae), Labcorp
Classification: Uncertain significance for Progressive microcephaly-seizures-cortical blindness-developmental delay syndrome; Autosomal dominant nonsyndromic hearing loss 1. Last evaluated: 2022-09-10. Review status: criteria provided, single submitter. Criteria: Invitae Variant Classification Sherloc (09022015). Collection method: clinical testing. Allele origin: germline.
Comment: Algorithms developed to predict the effect of missense changes on protein structure and function are either unavailable or do not agree on the potential impact of this missense change (SIFT: "Deleterious"; PolyPhen-2: "Probably Damaging"; Align-GVGD: "Class C0"). In summary, the available evidence is currently insufficient to determine the role of this variant in disease. Therefore, it has been classified as a Variant of Uncertain Significance. Algorithms developed to predict the effect of sequence changes on RNA splicing suggest that this variant may disrupt the consensus splice site. This variant has not been reported in the literature in individuals affected with DIAPH1-related conditions. This variant is not present in population databases (gnomAD no frequency). This sequence change replaces lysine, which is basic and polar, with arginine, which is basic and polar, at codon 1006 of the DIAPH1 protein (p.Lys1006Arg).